The following is an entry in ClinVar:

NM_001270508.2(TNFAIP3):c.343G>A (p.Val115Ile)

Gene: TNFAIP3 (TNF alpha induced protein 3; plus strand). Cytogenetic location: 6q23.3.
Variant type: single nucleotide variant.
Coding change: c.343G>A on transcript NM_001270508.2 (MANE Select); coding-DNA position 343, G replaced by A.
Protein change: p.Val115Ile; replaces valine 115 with isoleucine.
Molecular consequence: missense variant.
Genome position (GRCh38, 1-based): chr6:137,874,892, G>A. VCF-style: chr6-137874892-G-A. GRCh37 (hg19) VCF-style: chr6-138196029-G-A.
Other names: c.343G>A, p.Val115Ile (NM_001270507.2, NM_006290.4); short protein forms V115I.
Identifiers: ClinVar variation 1392203 (VCV001392203.6), dbSNP rs150717698, ClinGen allele CA4019406.

ClinVar aggregate classification (germline): Uncertain significance (1 of 4 stars; one submission).

Allele frequency attached by ClinVar (database versions not stated): gnomAD exomes 0.00003 and 0.00006; TOPMed 0.00005; ExAC 0.00008; ESP Exome Variant Server 0.00008; gnomAD 0.00010; 1000 Genomes Project 30x 0.00016; 1000 Genomes Project 0.00020.
gnomAD v4.1: 60 of 1,614,190 alleles (0.0037%); highest among the groups gnomAD compares: East Asian, 0.025%; no homozygotes.

Submission:

Labcorp Genetics (formerly Invitae), Labcorp
Classification: Uncertain significance. Last evaluated: 2024-09-05. Review status: criteria provided, single submitter. Criteria: Invitae Variant Classification Sherloc (09022015). Collection method: clinical testing. Allele origin: germline.
Comment: This sequence change replaces valine, which is neutral and non-polar, with isoleucine, which is neutral and non-polar, at codon 115 of the TNFAIP3 protein (p.Val115Ile). This variant is present in population databases (rs150717698, gnomAD 0.04%), and has an allele count higher than expected for a pathogenic variant. This variant has not been reported in the literature in individuals affected with TNFAIP3-related conditions. ClinVar contains an entry for this variant (Variation ID: 1392203). Invitae Evidence Modeling of protein sequence and biophysical properties (such as structural, functional, and spatial information, amino acid conservation, physicochemical variation, residue mobility, and thermodynamic stability) indicates that this missense variant is not expected to disrupt TNFAIP3 protein function with a negative predictive value of 80%. In summary, the available evidence is currently insufficient to determine the role of this variant in disease. Therefore, it has been classified as a Variant of Uncertain Significance.